The following is an entry in ClinVar:

NM_014629.4(ARHGEF10):c.310C>A (p.Gln104Lys)

Gene: ARHGEF10 (Rho guanine nucleotide exchange factor 10; plus strand). Cytogenetic location: 8p23.3.
Variant type: single nucleotide variant.
Coding change: c.310C>A on transcript NM_014629.4 (MANE Select); coding-DNA position 310, C replaced by A.
Protein change: p.Gln104Lys; replaces glutamine 104 with lysine.
Molecular consequence: missense variant.
Genome position (GRCh38, 1-based): chr8:1,860,013, C>A. VCF-style: chr8-1860013-C-A. GRCh37 (hg19) VCF-style: chr8-1808179-C-A.
Other names: c.310C>A, p.Gln104Lys (NM_001308152.2, NM_001308153.3); short protein forms Q128K, Q104K.
Identifiers: ClinVar variation 1392399 (VCV001392399.6), dbSNP rs962053220, ClinGen allele CA369955688.

ClinVar aggregate classification (germline): Uncertain significance (1 of 4 stars; one submission).

Allele frequency attached by ClinVar (database versions not stated): TOPMed below 0.00001.
gnomAD v4.1: 2 of 1,614,124 alleles (0.00012%); highest among the groups gnomAD compares: Non-Finnish European, 0.00017%; no homozygotes.

Submission:

Labcorp Genetics (formerly Invitae), Labcorp
Classification: Uncertain significance. Last evaluated: 2021-11-02. Review status: criteria provided, single submitter. Criteria: Invitae Variant Classification Sherloc (09022015). Collection method: clinical testing. Allele origin: germline.
Comment: This sequence change replaces glutamine, which is neutral and polar, with lysine, which is basic and polar, at codon 104 of the ARHGEF10 protein (p.Gln104Lys). This variant is not present in population databases (gnomAD no frequency). This variant has not been reported in the literature in individuals affected with ARHGEF10-related conditions. Algorithms developed to predict the effect of missense changes on protein structure and function (SIFT, PolyPhen-2, Align-GVGD) all suggest that this variant is likely to be tolerated. In summary, the available evidence is currently insufficient to determine the role of this variant in disease. Therefore, it has been classified as a Variant of Uncertain Significance.